The following is an entry in ClinVar:

ClinVar aggregate classification (germline): Pathogenic (1 of 4 stars; one submission).

Submission:

CeGaT Center for Human Genetics Tuebingen
Classification: Pathogenic. Last evaluated: 2023-04-01. Review status: criteria provided, single submitter. Criteria: CeGaT Center For Human Genetics Tuebingen Variant Classification Criteria Version 2. Collection method: clinical testing. Allele origin: germline. Affected: yes. Observed: 2 variant alleles.
Comment: CWF19L1: PVS1, PM2

NM_018294.6(CWF19L1):c.612del (p.Arg204fs)

Gene: CWF19L1 (CWF19 like cell cycle control factor 1; minus strand). Cytogenetic location: 10q24.31.
Variant type: Deletion.
Coding change: c.612del on transcript NM_018294.6 (MANE Select); coding-DNA position 612, one base deleted (G; older notation c.612delG).
Protein change: p.Arg204fs; shifts the reading frame from arginine 204.
Molecular consequence: frameshift variant. On other transcripts: 5 prime UTR variant (1).
Genome position (GRCh38, 1-based): chr10:100,253,432, C deleted on the plus strand (G on the coding strand, the reverse complement: CWF19L1 is on the minus strand); the first of 2 consecutive C bases (chr10:100,253,432-100,253,433); deleting either gives the same sequence. VCF-style (leftmost placement, unchanged base first): chr10-100253431-GC-G. GRCh37 (hg19) VCF-style: chr10-102013188-GC-G.
Other names: c.612del, p.Arg204fs (NM_001303404.2); c.201del, p.Arg67fs (NM_001303405.2, NM_001303406.2); c.-124del (NM_001303407.2); short protein forms R204fs, R67fs.
Identifiers: ClinVar variation 1675429 (VCV001675429.33), dbSNP rs1431707463, ClinGen allele CA595468580.